The following is an entry in ClinVar:

ClinVar aggregate classification (germline): Uncertain significance (1 of 4 stars; one submission).

Conditions:
Autosomal dominant nonsyndromic hearing loss 1. Also called: KONIGSMARK SYNDROME; DEAFNESS, AUTOSOMAL DOMINANT 1, WITH OR WITHOUT THROMBOCYTOPENIA. Identifiers: Orphanet 90635, MedGen C1852282, MONDO:0007424, OMIM 124900.
Progressive microcephaly-seizures-cortical blindness-developmental delay syndrome. Also called: Seizures, cortical blindness, and microcephaly syndrome. Identifiers: Orphanet 477814, MedGen C5567650, MONDO:0014714, OMIM 616632.

Submission:

Labcorp Genetics (formerly Invitae), Labcorp
Classification: Uncertain significance for Progressive microcephaly-seizures-cortical blindness-developmental delay syndrome; Autosomal dominant nonsyndromic hearing loss 1. Last evaluated: 2025-03-20. Review status: criteria provided, single submitter. Criteria: Invitae Variant Classification Sherloc (09022015). Collection method: clinical testing. Allele origin: germline.
Comment: This sequence change replaces aspartic acid, which is acidic and polar, with glycine, which is neutral and non-polar, at codon 300 of the DIAPH1 protein (p.Asp300Gly). This variant is not present in population databases (gnomAD no frequency). This variant has not been reported in the literature in individuals affected with DIAPH1-related conditions. Experimental studies and prediction algorithms are not available or were not evaluated, and the functional significance of this variant is currently unknown. Algorithms developed to predict the effect of sequence changes on RNA splicing suggest that this variant may disrupt the consensus splice site. In summary, the available evidence is currently insufficient to determine the role of this variant in disease. Therefore, it has been classified as a Variant of Uncertain Significance.

NM_005219.5(DIAPH1):c.899A>G (p.Asp300Gly)

Gene: DIAPH1 (diaphanous related formin 1; minus strand). Cytogenetic location: 5q31.3.
Variant type: single nucleotide variant.
Coding change: c.899A>G on transcript NM_005219.5 (MANE Select); coding-DNA position 899, A replaced by G.
Protein change: p.Asp300Gly; replaces aspartic acid 300 with glycine.
Molecular consequence: missense variant.
Genome position (GRCh38, 1-based): chr5:141,579,122, T>C on the plus strand (A>G on the coding strand, the complement: DIAPH1 is on the minus strand). VCF-style: chr5-141579122-T-C. GRCh37 (hg19) VCF-style: chr5-140958689-T-C.
Other names: c.872A>G, p.Asp291Gly (NM_001079812.3); c.899A>G, p.Asp300Gly (NM_001314007.2); short protein forms D291G, D300G.
Identifiers: ClinVar variation 3760132 (VCV003760132.2).